The following is an entry in ClinVar:

ClinVar aggregate classification (germline): Uncertain significance (1 of 4 stars; one submission).

Conditions:
Epidermolysis bullosa simplex 5B, with muscular dystrophy (EBS5B). Also called: EPIDERMOLYSIS BULLOSA SIMPLEX AND LIMB-GIRDLE MUSCULAR DYSTROPHY; Epidermolysis bullosa simplex with muscular dystrophy. Identifiers: Orphanet 257, MedGen C2931072, MONDO:0009181, OMIM 226670.
Epidermolysis bullosa simplex with nail dystrophy (EBS5D). Identifiers: MedGen C4225309, MONDO:0014661, OMIM 616487.
Epidermolysis bullosa simplex, Ogna type (EBS5A). Also called: Pidermolysis bullosa simplex 5A, Ogna type; EPIDERMOLYSIS BULLOSA SIMPLEX 5A, OGNA TYPE. Identifiers: Orphanet 79401, MedGen C0432317, MONDO:0007555, OMIM 131950.
Epidermolysis bullosa simplex 5C, with pyloric atresia (EBS5C). Also called: PLEC-Related Epidermolysis Bullosa with Pyloric Atresia; Epidermolysis bullosa simplex with pyloric atresia; PLEC1-Related Epidermolysis Bullosa with Pyloric Atresia. Identifiers: Orphanet 158684, MedGen C2677349, MONDO:0012807, OMIM 612138.
Autosomal recessive limb-girdle muscular dystrophy type 2Q (LGMDR17). Also called: MUSCULAR DYSTROPHY, LIMB-GIRDLE, AUTOSOMAL RECESSIVE 17. Identifiers: Orphanet 254361, MedGen C3150989, MONDO:0013390, OMIM 613723.

Allele frequency attached by ClinVar (database versions not stated): gnomAD exomes 0.00002; gnomAD 0.00005; TOPMed 0.00005.
gnomAD v4.1: 38 of 1,597,730 alleles (0.0024%); highest among the groups gnomAD compares: Admixed American, 0.0051%; no homozygotes.

Submission:

Labcorp Genetics (formerly Invitae), Labcorp
Classification: Uncertain significance for Autosomal recessive limb-girdle muscular dystrophy type 2Q; Epidermolysis bullosa simplex, Ogna type; Epidermolysis bullosa simplex with nail dystrophy; Epidermolysis bullosa simplex 5C, with pyloric atresia; Epidermolysis bullosa simplex 5B, with muscular dystrophy. Last evaluated: 2025-10-09. Review status: criteria provided, single submitter. Criteria: Invitae Variant Classification Sherloc (09022015). Collection method: clinical testing. Allele origin: germline.
Comment: This sequence change replaces glutamic acid, which is acidic and polar, with lysine, which is basic and polar, at codon 3438 of the PLEC protein (p.Glu3438Lys). The frequency data for this variant in the population databases is considered unreliable, as metrics indicate poor data quality at this position in the gnomAD database. This variant has not been reported in the literature in individuals affected with PLEC-related conditions. ClinVar contains an entry for this variant (Variation ID: 1523978). Invitae Evidence Modeling of protein sequence and biophysical properties (such as structural, functional, and spatial information, amino acid conservation, physicochemical variation, residue mobility, and thermodynamic stability) indicates that this missense variant is not expected to disrupt PLEC protein function with a negative predictive value of 80%. In summary, the available evidence is currently insufficient to determine the role of this variant in disease. Therefore, it has been classified as a Variant of Uncertain Significance.

NM_201384.3(PLEC):c.10231G>A (p.Glu3411Lys)

Gene: PLEC (plectin; minus strand). Cytogenetic location: 8q24.3.
Variant type: single nucleotide variant.
Coding change: c.10231G>A on transcript NM_201384.3 (MANE Select); coding-DNA position 10231, G replaced by A.
Protein change: p.Glu3411Lys; replaces glutamic acid 3411 with lysine.
Molecular consequence: missense variant.
Genome position (GRCh38, 1-based): chr8:143,919,590, C>T on the plus strand (G>A on the coding strand, the complement: PLEC is on the minus strand). VCF-style: chr8-143919590-C-T. GRCh37 (hg19) VCF-style: chr8-144993758-C-T.
Other names: c.10312G>A, p.Glu3438Lys (NM_000445.5); c.10189G>A, p.Glu3397Lys (NM_201378.4); c.10165G>A, p.Glu3389Lys (NM_201379.3); c.10642G>A, p.Glu3548Lys (NM_201380.4); c.10135G>A, p.Glu3379Lys (NM_201381.3); c.10231G>A, p.Glu3411Lys (NM_201382.4); c.10243G>A, p.Glu3415Lys (NM_201383.3); short protein forms E3411K, E3379K, E3397K, E3415K, E3438K, E3389K, E3548K.
Identifiers: ClinVar variation 1523978 (VCV001523978.6), dbSNP rs891504762, ClinGen allele CA187609257.